The following is an entry in ClinVar:

ClinVar aggregate classification (germline): Uncertain significance. Review status: criteria provided, multiple submitters, no conflicts (2 of 4 stars). 9 submissions from 9 submitters: Uncertain significance (9). Last evaluated 2025-12-29.

Conditions:
Colorectal cancer. Also called: Malignant Colorectal Neoplasm; Colorectal cancer, somatic. Identifiers: MedGen C0346629, MONDO:0005575, OMIM 114500.
Familial cancer of breast. Also called: BREAST CANCER, FAMILIAL; hereditary breast carcinoma; Hereditary breast cancer. Identifiers: Orphanet 227535, MedGen C0346153, MONDO:0016419, OMIM 114480. Disease mechanism: loss of function.
Prostate cancer. Also called: Malignant tumor of prostate. Identifiers: Orphanet 1331, MedGen C0376358, MONDO:0008315, HP:0012125.
CHEK2-related cancer predisposition (TPDS4). Also called: TUMOR PREDISPOSITION SYNDROME 4; CANCER PREDISPOSITION SYNDROME, CHEK2-RELATED; CHEK2-related cancer susceptibility. Identifiers: Orphanet 524, MedGen C5882668, MONDO:0700271, OMIM 609265.
Bone osteosarcoma. Also called: Osteosarcoma, somatic. Identifiers: Orphanet 668, MedGen C0585442, MONDO:0002629, OMIM 259500.
Hereditary cancer-predisposing syndrome. Also called: Neoplastic Syndromes, Hereditary; Hereditary neoplastic syndrome; Hereditary Cancer Syndrome; Tumor predisposition. Identifiers: Orphanet 140162, MedGen C0027672, MeSH D009386, MONDO:0015356.
Familial prostate cancer. Also called: Hereditary Prostate Cancer. Identifiers: MedGen C2931456, MONDO:0700275, OMIM 176807.

Allele frequency attached by ClinVar (database versions not stated): gnomAD exomes below 0.00001 and 0.00001; ExAC 0.00001; gnomAD 0.00001.
gnomAD v4.1: 6 of 1,613,942 alleles (0.00037%); highest among the groups gnomAD compares: Non-Finnish European, 0.00051%; no homozygotes.

Submissions (9):

Center for Genomic Medicine, Rigshospitalet, Copenhagen University Hospital
Classification: Uncertain significance. Last evaluated: 2025-12-29. Review status: criteria provided, single submitter. Criteria: ACMG Guidelines, 2015. Collection method: clinical testing. Allele origin: germline.

Labcorp Genetics (formerly Invitae), Labcorp
Classification: Uncertain significance for Familial cancer of breast. Last evaluated: 2025-11-30. Review status: criteria provided, single submitter. Criteria: Invitae Variant Classification Sherloc (09022015). Collection method: clinical testing. Allele origin: germline.
Comment: This sequence change replaces isoleucine, which is neutral and non-polar, with valine, which is neutral and non-polar, at codon 189 of the CHEK2 protein (p.Ile189Val). This variant is present in population databases (rs587780185, gnomAD 0.0009%). This missense change has been observed in individual(s) with breast cancer and ovarian cancer and soft tissue sarcoma and breast and colon cancer (PMID: 22419737, 26556299, 28495237, 28591191). This variant is also known as I232V. ClinVar contains an entry for this variant (Variation ID: 128082). An algorithm developed to predict the effect of missense changes on protein structure and function (PolyPhen-2) suggests that this variant is likely to be disruptive. Experimental studies have shown that this missense change does not substantially affect CHEK2 function (PMID: 37449874). In summary, the available evidence is currently insufficient to determine the role of this variant in disease. Therefore, it has been classified as a Variant of Uncertain Significance.

GeneDx
Classification: Uncertain significance. Last evaluated: 2025-04-21. Review status: criteria provided, single submitter. Criteria: GeneDx Variant Classification Process June 2021. Collection method: clinical testing. Allele origin: germline. Affected: yes.
Comment: Published functional studies are inconclusive: auto-phosphorylation and kinase activity comparable to wild type, but conflicting evidence with respect to DNA damage response activity (PMID: 22419737, 30851065, 37449874); Observed in individuals with breast, ovarian, and other cancers, and did not show loss of heterozygosity in a sarcoma sample (PMID: 26556299, 28495237, 28591191); Not observed at significant frequency in large population cohorts (gnomAD); In silico analysis indicates that this missense variant does not alter protein structure/function; This variant is associated with the following publications: (PMID: 26681312, 26556299, 28495237, 22419737, 28301460, 30851065, 28591191, 37449874, 19782031)

Color Diagnostics, LLC DBA Color Health
Classification: Uncertain significance for Hereditary cancer-predisposing syndrome. Last evaluated: 2025-03-17. Review status: criteria provided, single submitter. Criteria: ACMG Guidelines, 2015. Collection method: clinical testing. Allele origin: germline.
Comment: This missense variant replaces isoleucine with valine at codon 189 of the CHEK2 protein. Computational prediction is inconclusive regarding the impact of this variant on protein structure and function. Two yeast-based DNA damage response assays have shown different results for the impact of this variant on protein function. One showed the variant to be non-functional (PMID: 22419737) while the other reported it as functional (PMID: 30851065). The variant was also functional in KAP1 in vitro kinase assays and CHK2 autophosphorylation assays (PMID: 37449874). This variant has been reported in individuals affected with breast cancer (PMID: 22419737, 28495237), colon cancer (PMID: 22419737), soft tissue sarcoma (PMID: 26556299), and ovarian cancer (PMID: 28591191). This variant has also been identified in 1/251418 chromosomes in the general population by the Genome Aggregation Database (gnomAD). The available evidence is insufficient to determine the role of this variant in disease conclusively. Therefore, this variant is classified as a Variant of Uncertain Significance.

Women's Health and Genetics/Laboratory Corporation of America, LabCorp
Classification: Uncertain significance. Last evaluated: 2025-02-24. Review status: criteria provided, single submitter. Criteria: LabCorp Variant Classification Summary - May 2015. Collection method: clinical testing. Allele origin: germline.
Comment: Variant summary: CHEK2 c.565A>G (p.Ile189Val) results in a conservative amino acid change in the encoded protein sequence. Four of five in-silico tools predict a damaging effect of the variant on protein function. The variant allele was found at a frequency of 4e-06 in 251418 control chromosomes. The available data on variant occurrences in the general population are insufficient to allow any conclusion about variant significance. c.565A>G has been reported in the literature in individuals affected with breast or ovarian cancer (Roeb_2012, Frey_2017, Susswein_2016). These report(s) do not provide unequivocal conclusions about association of the variant with Hereditary Breast And Ovarian Cancer Syndrome. Three publications report experimental evidence evaluating an impact on protein function, however, none of these studies allows convincing conclusions about the variant effect (Roeb_2012, Delimitsou_2019, Stolarova_2023). The following publications have been ascertained in the context of this evaluation (PMID: 30851065, 28495237, 22419737, 37449874, 26681312). ClinVar contains an entry for this variant (Variation ID: 128082). Based on the evidence outlined above, the variant was classified as uncertain significance.

Ambry Genetics
Classification: Uncertain significance for Hereditary cancer-predisposing syndrome. Last evaluated: 2025-02-03. Review status: criteria provided, single submitter. Criteria: Ambry Variant Classification Scheme 2023. Collection method: clinical testing. Allele origin: germline.
Comment: The p.I189V variant (also known as c.565A>G), located in coding exon 3 of the CHEK2 gene, results from an A to G substitution at nucleotide position 565. The isoleucine at codon 189 is replaced by valine, an amino acid with highly similar properties. This alteration is located in the FHA domain and was characterized as damaging based on a yeast-based assay to assess in vivo CHEK2-mediated response to DNA damage (Roeb W et al. Hum. Mol. Genet. 2012 Jun;21:2738-44). However, this alteration behaved as functional in a different in vivo yeast-based growth assay (Delimitsou A et al. Hum. Mutat., 2019 05;40:631-648). This variant was also reported as functional in a study assessing CHEK2-complementation through quantification of KAP1 phosphorylation and CHK2 autophosphorylation in human RPE1-CHEK2-knockout cells (Stolarova L et al. Clin Cancer Res, 2023 Aug;29:3037-3050). This alteration was detected in two patients who underwent multi-gene panel testing, both of whom had early-onset breast cancer and a family history of colon cancer (Frey MK et al. Gynecol Oncol. 2017 May 8). It has also been identified in an individual with soft tissue sarcoma who also carried a germline BRCA2 mutation (Schrader K et al. JAMA Oncol 2016 Jan;2(1):104-11). This amino acid position is highly conserved in available vertebrate species. In addition, this alteration is predicted to be deleterious by in silico analysis. Based on the available evidence, the clinical significance of this variant remains unclear.

Baylor Genetics
Classification: Uncertain significance for Familial cancer of breast. Last evaluated: 2023-08-05. Review status: criteria provided, single submitter. Criteria: ACMG Guidelines, 2015. Collection method: clinical testing. Allele origin: unknown.

Department of Pathology and Laboratory Medicine, Sinai Health System
Classification: Uncertain significance for Familial prostate cancer. Last evaluated: 2022-09-07. Review status: criteria provided, single submitter. Criteria: ACMG Guidelines, 2015. Collection method: clinical testing. Allele origin: germline. Affected: yes.

Fulgent Genetics
Classification: Uncertain significance for Familial cancer of breast; Colorectal cancer; Familial prostate cancer; Bone osteosarcoma; CHEK2-related cancer predisposition. Last evaluated: 2022-01-11. Review status: criteria provided, single submitter. Criteria: ACMG Guidelines, 2015. Collection method: clinical testing. Allele origin: unknown.

Literature cited by the submitters: PubMed 22419737 (cited by 5 submitters); PubMed 26556299 (cited by 3 submitters); PubMed 28495237 (cited by 4 submitters); PubMed 28591191 (cited by 3 submitters); PubMed 37449874 (cited by 4 submitters); PubMed 30851065 (cited by 4 submitters); PubMed 26681312 (cited by Women's Health and Genetics/Laboratory Corporation of America, LabCorp).

NM_007194.4(CHEK2):c.565A>G (p.Ile189Val)

Gene: CHEK2 (checkpoint kinase 2; minus strand). Cytogenetic location: 22q12.1.
Variant type: single nucleotide variant.
Coding change: c.565A>G on transcript NM_007194.4 (MANE Select); coding-DNA position 565, A replaced by G.
Protein change: p.Ile189Val; replaces isoleucine 189 with valine.
Molecular consequence: missense variant. On other transcripts: 5 prime UTR variant (2), intron variant (1).
Genome position (GRCh38, 1-based): chr22:28,725,004, T>C on the plus strand (A>G on the coding strand, the complement: CHEK2 is on the minus strand). VCF-style: chr22-28725004-T-C. GRCh37 (hg19) VCF-style: chr22-29120992-T-C.
Other names: p.I189V:ATT>GTT; c.694A>G, p.Ile232Val (NM_001005735.3, NM_001438294.1); c.-213A>G (NM_001257387.3); c.-99A>G (NM_001437942.1); c.658A>G, p.Ile220Val (NM_001438293.1, NM_001438295.1); c.565A>G, p.Ile189Val (NM_145862.3); c.445-81A>G (NM_001349956.3); short protein forms I189V, I232V, I220V.
Identifiers: ClinVar variation 128082 (VCV000128082.35), dbSNP rs587780185, ClinGen allele CA288319.